The following is an entry in ClinVar:

ClinVar aggregate classification (germline): Likely pathogenic (1 of 4 stars; one submission).

Conditions:
Renal hypomagnesemia 4. Also called: HYPOMAGNESEMIA, RENAL, NORMOCALCIURIC. Identifiers: Orphanet 34527, MedGen C2673648, MONDO:0012717, OMIM 611718.

Submission:

First Genomix Gene Laboratory, Genetic Diagnostics Department
Classification: Likely pathogenic for Renal hypomagnesemia 4. Last evaluated: 2025-08-05. Review status: criteria provided, single submitter. Criteria: ACMG Guidelines, 2015. Collection method: clinical testing. Allele origin: germline. Inheritance: Autosomal recessive inheritance. Affected: no. Observed: 1 variant allele.

NM_001963.6(EGF):c.1830-2A>G

Gene: EGF (epidermal growth factor; plus strand). Cytogenetic location: 4q25.
Variant type: single nucleotide variant.
Coding change: c.1830-2A>G on transcript NM_001963.6 (MANE Select); the canonical splice acceptor site of the intron before coding-DNA position 1830, A replaced by G.
Molecular consequence: splice acceptor variant.
Genome position (GRCh38, 1-based): chr4:109,976,010, A>G. VCF-style: chr4-109976010-A-G. GRCh37 (hg19) VCF-style: chr4-110897166-A-G.
Other names: c.1830-2A>G (NM_001178130.3); c.1704-2A>G (NM_001178131.3, NM_001357021.2).
Identifiers: ClinVar variation 4850573 (VCV004850573.1).
Genomic context (GRCh38, chr4:109,976,010, plus strand): 5'-TGAAAGAACAGAATAATTTATTTCATGCAGATATTATTTGTTGTGTGCTTTCTTGATTAA[A>G]GGAGATTATTCTGGACTGATACAGGGATTAATCCACGAATTGAAAGTTCTTCCCTCCAAG-3'